The following is an entry in ClinVar:

NM_001365536.1(SCN9A):c.3694A>C (p.Ile1232Leu)

Genes: SCN1A-AS1 (SCN1A and SCN9A antisense RNA 1; plus strand), SCN9A (sodium voltage-gated channel alpha subunit 9; minus strand). Cytogenetic location: 2q24.3.
Variant type: single nucleotide variant.
Coding change: c.3694A>C on transcript NM_001365536.1 (MANE Select); coding-DNA position 3694, A replaced by C.
Protein change: p.Ile1232Leu; replaces isoleucine 1232 with leucine.
Molecular consequence: missense variant.
Genome position (GRCh38, 1-based): chr2:166,238,201, T>G on the plus strand (A>C on the coding strand, the complement: SCN9A is on the minus strand). VCF-style: chr2-166238201-T-G. GRCh37 (hg19) VCF-style: chr2-167094711-T-G.
Other names: c.3661A>C, p.Ile1221Leu (NM_002977.4); short protein forms I1232L, I1221L.
Identifiers: ClinVar variation 1995613 (VCV001995613.4), dbSNP rs1695406178, ClinGen allele CA349068781.

ClinVar aggregate classification (germline): Uncertain significance (1 of 4 stars; one submission).

Conditions:
Neuropathy, hereditary sensory and autonomic, type 2A (HSAN2A). Also called: MORVAN DISEASE; NEUROPATHY, CONGENITAL SENSORY; NEUROPATHY, HEREDITARY SENSORY RADICULAR, AUTOSOMAL RECESSIVE; NEUROPATHY, HEREDITARY SENSORY, TYPE IIA; NEUROPATHY, PROGRESSIVE SENSORY, OF CHILDREN; HSAN IIA. Identifiers: Orphanet 970, MedGen C2752089, MONDO:0024309, OMIM 201300.
Generalized epilepsy with febrile seizures plus, type 7 (GEFSP7). Also called: GEFS+, TYPE 7. Identifiers: Orphanet 36387, MedGen C2751778, MONDO:0013470, OMIM 613863.

Allele frequency attached by ClinVar (database versions not stated): gnomAD exomes below 0.00001.
gnomAD v4.1: 1 of 1,606,884 alleles (0.000062%); highest among the groups gnomAD compares: South Asian, 0.0011%; no homozygotes.

Submission:

Labcorp Genetics (formerly Invitae), Labcorp
Classification: Uncertain significance for Neuropathy, hereditary sensory and autonomic, type 2A; Generalized epilepsy with febrile seizures plus, type 7. Last evaluated: 2022-05-17. Review status: criteria provided, single submitter. Criteria: Invitae Variant Classification Sherloc (09022015). Collection method: clinical testing. Allele origin: germline.
Comment: In summary, the available evidence is currently insufficient to determine the role of this variant in disease. Therefore, it has been classified as a Variant of Uncertain Significance. This sequence change replaces isoleucine, which is neutral and non-polar, with leucine, which is neutral and non-polar, at codon 1221 of the SCN9A protein (p.Ile1221Leu). This variant is not present in population databases (gnomAD no frequency). This variant has not been reported in the literature in individuals affected with SCN9A-related conditions. Algorithms developed to predict the effect of missense changes on protein structure and function are either unavailable or do not agree on the potential impact of this missense change (SIFT: "Deleterious"; PolyPhen-2: "Benign"; Align-GVGD: "Class C0").